The following is an entry in ClinVar:

ClinVar aggregate classification (germline): Conflicting classifications of pathogenicity. Review status: criteria provided, conflicting classifications (1 of 4 stars). 3 submissions from 3 submitters: Likely pathogenic (1); Uncertain significance (2). Last evaluated 2024-12-04.

Conditions:
Usher syndrome type 1 (USH1). Also called: RETINITIS PIGMENTOSA AND CONGENITAL DEAFNESS. Identifiers: Orphanet 231169, Orphanet 886, MedGen C1568247, MONDO:0010168, OMIM 276900.

Allele frequency attached by ClinVar (database versions not stated): TOPMed 0.00001; gnomAD 0.00003 and 0.00001; gnomAD exomes 0.00011 and 0.00005; ExAC 0.00013.
gnomAD v4.1: 81 of 1,613,814 alleles (0.005%); highest among the groups gnomAD compares: South Asian, 0.07%; no homozygotes.

Submissions (3):

GeneDx
Classification: Uncertain significance. Last evaluated: 2024-12-04. Review status: criteria provided, single submitter. Criteria: GeneDx Variant Classification Process June 2021. Collection method: clinical testing. Allele origin: germline. Affected: yes.
Comment: In silico analysis indicates that this missense variant does not alter protein structure/function; Has not been previously published as pathogenic or benign to our knowledge; This variant is associated with the following publications: (PMID: 31589614)

Labcorp Genetics (formerly Invitae), Labcorp
Classification: Uncertain significance. Last evaluated: 2021-10-08. Review status: criteria provided, single submitter. Criteria: Invitae Variant Classification Sherloc (09022015). Collection method: clinical testing. Allele origin: germline.
Comment: This sequence change replaces arginine with glutamine at codon 31 of the USH1C protein (p.Arg31Gln). The arginine residue is highly conserved and there is a small physicochemical difference between arginine and glutamine. This variant is present in population databases (rs776511246, ExAC 0.08%). This variant has not been reported in the literature in individuals affected with USH1C-related conditions. ClinVar contains an entry for this variant (Variation ID: 522657). Algorithms developed to predict the effect of missense changes on protein structure and function are either unavailable or do not agree on the potential impact of this missense change (SIFT: "Tolerated"; PolyPhen-2: "Probably Damaging"; Align-GVGD: "Class C0"). In summary, the available evidence is currently insufficient to determine the role of this variant in disease. Therefore, it has been classified as a Variant of Uncertain Significance.

Genomic Research Center, Shahid Beheshti University of Medical Sciences
Classification: Likely pathogenic for Usher syndrome type 1. Last evaluated: 2017-12-03. Review status: criteria provided, single submitter. Criteria: ACMG Guidelines, 2015. Collection method: clinical testing. Allele origin: inherited. Affected: yes.

NM_153676.4(USH1C):c.92G>A (p.Arg31Gln)

Gene: USH1C (USH1 protein network component harmonin; minus strand). Cytogenetic location: 11p15.1.
Variant type: single nucleotide variant.
Coding change: c.92G>A on transcript NM_153676.4 (MANE Select); coding-DNA position 92, G replaced by A.
Protein change: p.Arg31Gln; replaces arginine 31 with glutamine.
Molecular consequence: missense variant. On other transcripts: non-coding transcript variant (1).
Genome position (GRCh38, 1-based): chr11:17,533,267, C>T on the plus strand (G>A on the coding strand, the complement: USH1C is on the minus strand). VCF-style: chr11-17533267-C-T. GRCh37 (hg19) VCF-style: chr11-17554814-C-T.
Other names: c.92G>A, p.Arg31Gln (NM_001297764.2, NM_005709.4); short protein forms R31Q.
Identifiers: ClinVar variation 522657 (VCV000522657.8), dbSNP rs776511246, ClinGen allele CA5905185.